The following is an entry in ClinVar:

NM_001999.4(FBN2):c.208G>C (p.Val70Leu)

Gene: FBN2 (fibrillin 2; minus strand). Cytogenetic location: 5q23.3.
Variant type: single nucleotide variant.
Coding change: c.208G>C on transcript NM_001999.4 (MANE Select); coding-DNA position 208, G replaced by C.
Protein change: p.Val70Leu; replaces valine 70 with leucine.
Molecular consequence: missense variant.
Genome position (GRCh38, 1-based): chr5:128,537,396, C>G on the plus strand (G>C on the coding strand, the complement: FBN2 is on the minus strand). VCF-style: chr5-128537396-C-G. GRCh37 (hg19) VCF-style: chr5-127873089-C-G.
Other names: short protein forms V70L.
Identifiers: ClinVar variation 1011924 (VCV001011924.9), dbSNP rs1756883199, ClinGen allele CA360762048.

ClinVar aggregate classification (germline): Uncertain significance (1 of 4 stars; one submission).

Conditions:
Congenital contractural arachnodactyly (CCA). Also called: BEALS SYNDROME; Beals-Hecht syndrome; Arthrogryposis, distal, type 9. Identifiers: Orphanet 115, MedGen C0220668, MONDO:0007363, OMIM 121050.

Submission:

Labcorp Genetics (formerly Invitae), Labcorp
Classification: Uncertain significance for Congenital contractural arachnodactyly. Last evaluated: 2020-07-23. Review status: criteria provided, single submitter. Criteria: Invitae Variant Classification Sherloc (09022015). Collection method: clinical testing. Allele origin: germline.
Comment: In summary, the available evidence is currently insufficient to determine the role of this variant in disease. Therefore, it has been classified as a Variant of Uncertain Significance. Advanced modeling of protein sequence and biophysical properties (such as structural, functional, and spatial information, amino acid conservation, physicochemical variation, residue mobility, and thermodynamic stability) performed at Invitae indicates that this missense variant is not expected to disrupt FBN2 protein function. This variant has not been reported in the literature in individuals with FBN2-related conditions. This variant is not present in population databases (ExAC no frequency). This sequence change replaces valine with leucine at codon 70 of the FBN2 protein (p.Val70Leu). The valine residue is weakly conserved and there is a small physicochemical difference between valine and leucine.